The following is an entry in ClinVar:

ClinVar aggregate classification (germline): Uncertain significance (1 of 4 stars; one submission).

Allele frequency attached by ClinVar (database versions not stated): gnomAD 0.00001; TOPMed 0.00001; gnomAD exomes 0.00002; ExAC 0.00004.
gnomAD v4.1: 11 of 1,614,090 alleles (0.00068%); highest among the groups gnomAD compares: Admixed American, 0.018%; no homozygotes.

Submission:

Mayo Clinic Laboratories, Mayo Clinic
Classification: Uncertain significance. Last evaluated: 2022-12-14. Review status: criteria provided, single submitter. Criteria: ACMG Guidelines, 2015. Collection method: clinical testing. Allele origin: germline. Observed: 1 variant allele.
Comment: BP4, PM2

NM_000295.5(SERPINA1):c.100A>C (p.Lys34Gln)

Gene: SERPINA1 (serpin family A member 1; minus strand). Cytogenetic location: 14q32.13.
Variant type: single nucleotide variant.
Coding change: c.100A>C on transcript NM_000295.5 (MANE Select); coding-DNA position 100, A replaced by C.
Protein change: p.Lys34Gln; replaces lysine 34 with glutamine.
Molecular consequence: missense variant.
Genome position (GRCh38, 1-based): chr14:94,383,138, T>G on the plus strand (A>C on the coding strand, the complement: SERPINA1 is on the minus strand). VCF-style: chr14-94383138-T-G. GRCh37 (hg19) VCF-style: chr14-94849475-T-G.
Other names: p.Lys34Gln; c.100A>C, p.Lys34Gln (NM_001002235.3, NM_001002236.3, NM_001127700.2 and 7 more transcripts); short protein forms K34Q.
Identifiers: ClinVar variation 2683276 (VCV002683276.1), dbSNP rs769267062, ClinGen allele CA7327547.